The following is an entry in ClinVar:

NM_152564.5(VPS13B):c.2039C>G (p.Thr680Arg)

Gene: VPS13B (vacuolar protein sorting 13 homolog B; plus strand). Cytogenetic location: 8q22.2.
Variant type: single nucleotide variant.
Coding change: c.2039C>G on transcript NM_152564.5 (MANE Select); coding-DNA position 2039, C replaced by G.
Protein change: p.Thr680Arg; replaces threonine 680 with arginine.
Molecular consequence: missense variant.
Genome position (GRCh38, 1-based): chr8:99,156,574, C>G. VCF-style: chr8-99156574-C-G. GRCh37 (hg19) VCF-style: chr8-100168802-C-G.
Other names: c.2039C>G, p.Thr680Arg (NM_015243.3, NM_017890.5); short protein forms T680R.
Identifiers: ClinVar variation 3351182 (VCV003351182.1).

ClinVar aggregate classification (germline): Uncertain significance (0 of 4 stars; one submission).

Conditions:
VPS13B-related disorder. Also called: VPS13B-related condition.

gnomAD v4.1: 4 of 1,614,032 alleles (0.00025%); highest among the groups gnomAD compares: East Asian, 0.0089%; no homozygotes.

Submission:

PreventionGenetics, part of Exact Sciences
Classification: Uncertain significance for VPS13B-related condition. Last evaluated: 2024-04-25. Review status: no assertion criteria provided. Collection method: clinical testing. Allele origin: germline.
Comment: The VPS13B c.2039C>G variant is predicted to result in the amino acid substitution p.Thr680Arg. To our knowledge, this variant has not been reported in the literature. This variant is reported in 0.027% of alleles in individuals of East Asian descent in gnomAD. At this time, the clinical significance of this variant is uncertain due to the absence of conclusive functional and genetic evidence.